The following is an entry in ClinVar:

ClinVar aggregate classification (germline): Benign/Likely benign. Review status: criteria provided, multiple submitters, no conflicts (2 of 4 stars). 8 submissions from 8 submitters: Benign (5); Likely benign (3). Last evaluated 2026-03-01.

Conditions:
Inborn genetic diseases. Identifiers: MedGen C0950123, MeSH D030342.
Kleefstra syndrome 1 (KLEFS1). Identifiers: Orphanet 261494, MedGen C0795833, MONDO:0027407, OMIM 610253.

Allele frequency attached by ClinVar (database versions not stated): gnomAD exomes 0.00036 and 0.00085; ExAC 0.00095; gnomAD 0.00308 and 0.00339; 1000 Genomes Project 0.00319; 1000 Genomes Project 30x 0.00359; ESP Exome Variant Server 0.00361; TOPMed 0.00385.
gnomAD v4.1: 1,027 of 1,613,518 alleles (0.064%); highest among the groups gnomAD compares: African/African-American, 1.1%; 6 homozygotes.

Submissions (8):

CeGaT Center for Human Genetics Tuebingen
Classification: Likely benign. Last evaluated: 2026-03-01. Review status: criteria provided, single submitter. Criteria: CeGaT Center For Human Genetics Tuebingen Variant Classification Criteria Version 2. Collection method: clinical testing. Allele origin: germline. Affected: yes. Observed: 3 variant alleles.
Comment: EHMT1: BP4, BP7, BS1

Labcorp Genetics (formerly Invitae), Labcorp
Classification: Benign for Kleefstra syndrome 1. Last evaluated: 2026-01-31. Review status: criteria provided, single submitter. Criteria: Invitae Variant Classification Sherloc (09022015). Collection method: clinical testing. Allele origin: germline.

ARUP Laboratories, Molecular Genetics and Genomics, ARUP Laboratories
Classification: Benign for Kleefstra syndrome 1. Last evaluated: 2024-09-17. Review status: criteria provided, single submitter. Criteria: ARUP Molecular Germline Variant Investigation Process 2024. Collection method: clinical testing. Allele origin: germline.

Blueprint Genetics
Classification: Benign. Last evaluated: 2024-06-24. Review status: criteria provided, single submitter. Criteria: ACMG Guidelines, 2015. Collection method: clinical testing. Allele origin: germline.

GeneDx
Classification: Likely benign. Last evaluated: 2021-01-28. Review status: criteria provided, single submitter. Criteria: GeneDx Variant Classification Process June 2021. Collection method: clinical testing. Allele origin: germline. Affected: yes.

Ambry Genetics
Classification: Benign for Inborn genetic diseases. Last evaluated: 2017-03-21. Review status: criteria provided, single submitter. Criteria: Ambry Variant Classification Scheme 2023. Collection method: clinical testing. Allele origin: germline.

Eurofins Ntd Llc (ga)
Classification: Benign. Last evaluated: 2012-12-06. Review status: criteria provided, single submitter. Criteria: EGL Classification Definitions 2015. Collection method: clinical testing. Allele origin: germline. Observed: 1 variant allele, 1 heterozygote.

Breakthrough Genomics
Classification: Likely benign. Review status: criteria provided, single submitter. Criteria: ACMG Guidelines, 2015. Collection method: not provided. Allele origin: germline. Inheritance: Autosomal dominant inheritance. Affected: yes.

NM_024757.5(EHMT1):c.1743C>T (p.Arg581=)

Gene: EHMT1 (euchromatic histone lysine methyltransferase 1; plus strand). Cytogenetic location: 9q34.3.
Variant type: single nucleotide variant.
Coding change: c.1743C>T on transcript NM_024757.5 (MANE Select); coding-DNA position 1743, C replaced by T.
Protein change: p.Arg581=; no amino-acid change (arginine 581 retained).
Molecular consequence: synonymous variant.
Genome position (GRCh38, 1-based): chr9:137,775,204, C>T. VCF-style: chr9-137775204-C-T. GRCh37 (hg19) VCF-style: chr9-140669656-C-T.
Other names: c.1743C>T, p.Arg581= (NM_001145527.2); c.1650C>T, p.Arg550= (NM_001354259.2); c.1722C>T, p.Arg574= (NM_001354263.2).
Identifiers: ClinVar variation 96144 (VCV000096144.68), dbSNP rs144513373, ClinGen allele CA149291.
Genomic context (GRCh38, chr9:137,775,204, plus strand): 5'-GCTGATGCGCCCCTCCAACAAGGCCCCGCTCCTCGTGCTGTGTGAAGACCACCGGGGCCG[C>T]ATGGTGAAGCACCAGTGCTGTCCTGGCTGTGGCTACTTCTGCACAGCGGTAAGAGCCCAG-3'
Protein context (NP_079033.4, residues 571-591): LLVLCEDHRG[Arg581=]MVKHQCCPGC